The following is an entry in ClinVar:

ClinVar aggregate classification (germline): Uncertain significance (1 of 4 stars; one submission).

Submission:

Ambry Genetics
Classification: Uncertain significance. Last evaluated: 2022-11-05. Review status: criteria provided, single submitter. Criteria: Ambry Variant Classification Scheme 2023. Collection method: clinical testing. Allele origin: germline.
Comment: The p.S273G variant (also known as c.817A>G), located in coding exon 3 of the ALPK2 gene, results from an A to G substitution at nucleotide position 817. The serine at codon 273 is replaced by glycine, an amino acid with similar properties. This amino acid position is conserved. In addition, this alteration is predicted to be tolerated by in silico analysis. Since supporting evidence is limited at this time, the clinical significance of this alteration remains unclear.

NM_052947.4(ALPK2):c.817A>G (p.Ser273Gly)

Genes: ALPK2 (alpha kinase 2; minus strand), LOC114803473 (ALPK2 eExon liver enhancer; plus strand). Cytogenetic location: 18q21.31.
Variant type: single nucleotide variant.
Coding change: c.817A>G on transcript NM_052947.4 (MANE Select); coding-DNA position 817, A replaced by G.
Protein change: p.Ser273Gly; replaces serine 273 with glycine.
Molecular consequence: missense variant.
Genome position (GRCh38, 1-based): chr18:58,579,959, T>C on the plus strand (A>G on the coding strand, the complement: ALPK2 is on the minus strand). VCF-style: chr18-58579959-T-C. GRCh37 (hg19) VCF-style: chr18-56247191-T-C.
Other names: short protein forms S273G.
Identifiers: ClinVar variation 2449190 (VCV002449190.2), dbSNP rs2518899804, ClinGen allele CA402567139.